The following is an entry in ClinVar:

NM_000017.4(ACADS):c.242C>T (p.Ala81Val)

Gene: ACADS (acyl-CoA dehydrogenase short chain; plus strand). Cytogenetic location: 12q24.31.
Variant type: single nucleotide variant.
Coding change: c.242C>T on transcript NM_000017.4 (MANE Select); coding-DNA position 242, C replaced by T.
Protein change: p.Ala81Val; replaces alanine 81 with valine.
Molecular consequence: missense variant.
Genome position (GRCh38, 1-based): chr12:120,737,017, C>T. VCF-style: chr12-120737017-C-T. GRCh37 (hg19) VCF-style: chr12-121174820-C-T.
Other names: c.242C>T, p.Ala81Val (NM_001302554.2); short protein forms A81V.
Identifiers: ClinVar variation 946300 (VCV000946300.8), dbSNP rs1883464095, ClinGen allele CA386613987.

ClinVar aggregate classification (germline): Uncertain significance (1 of 4 stars; one submission).

Conditions:
Deficiency of butyryl-CoA dehydrogenase (ACADSD). Also called: ACADS DEFICIENCY; SCAD Deficiency; ACYL-CoA DEHYDROGENASE, SHORT-CHAIN, DEFICIENCY OF; Short-Chain Acyl-CoA Dehydrogenase Deficiency; SCADH DEFICIENCY; SCAD DEFICIENCY, MILD. Identifiers: Orphanet 26792, MedGen C0342783, MONDO:0008722, OMIM 201470. Disease mechanism: May be benign.

Allele frequency attached by ClinVar (database versions not stated): TOPMed below 0.00001; gnomAD 0.00001; gnomAD exomes 0.00001.
gnomAD v4.1: 10 of 1,610,420 alleles (0.00062%); highest among the groups gnomAD compares: African/African-American, 0.0013%; no homozygotes.

Submission:

Labcorp Genetics (formerly Invitae), Labcorp
Classification: Uncertain significance for Deficiency of butyryl-CoA dehydrogenase. Last evaluated: 2023-08-04. Review status: criteria provided, single submitter. Criteria: Invitae Variant Classification Sherloc (09022015). Collection method: clinical testing. Allele origin: germline.
Comment: This sequence change replaces alanine, which is neutral and non-polar, with valine, which is neutral and non-polar, at codon 81 of the ACADS protein (p.Ala81Val). In summary, the available evidence is currently insufficient to determine the role of this variant in disease. Therefore, it has been classified as a Variant of Uncertain Significance. Advanced modeling of protein sequence and biophysical properties (such as structural, functional, and spatial information, amino acid conservation, physicochemical variation, residue mobility, and thermodynamic stability) performed at Invitae indicates that this missense variant is expected to disrupt ACADS protein function. ClinVar contains an entry for this variant (Variation ID: 946300). This missense change has been observed in individual(s) with SCAD deficiency (Invitae). This variant is not present in population databases (gnomAD no frequency).